The following is an entry in ClinVar:

NC_000019.9:g.(?_6677893)_(6682260_?)del

Gene: C3 (complement C3; minus strand). Cytogenetic location: 19p13.3.
Variant type: Deletion.
Identifiers: ClinVar variation 3242627 (VCV003242627.1).

ClinVar aggregate classification (germline): Uncertain significance (1 of 4 stars; one submission).

Submission:

Labcorp Genetics (formerly Invitae), Labcorp
Classification: Uncertain significance. Last evaluated: 2023-10-23. Review status: criteria provided, single submitter. Criteria: Invitae Variant Classification Sherloc (09022015). Collection method: clinical testing. Allele origin: unknown.
Comment: This variant is a gross deletion of the genomic region encompassing exon(s) 34-41 of the C3 gene, which includes the termination codon. This deletion extends beyond the assayed region for this gene and therefore may encompass additional genes. While this deletion is not anticipated to lead to nonsense mediated decay, it is expected to alter mRNA translation or result in a truncated protein product. This variant has not been reported in the literature in individuals affected with C3-related conditions. Experimental studies and prediction algorithms are not available or were not evaluated, and the functional significance of this variant is currently unknown. In summary, the available evidence is currently insufficient to determine the role of this variant in disease. Therefore, it has been classified as a Variant of Uncertain Significance.